The following is an entry in ClinVar:

ClinVar aggregate classification (germline): Likely pathogenic (1 of 4 stars; one submission).

Conditions:
Familial thoracic aortic aneurysm and aortic dissection (TAAD). Also called: Thoracic aortic aneurysms and dissections. Identifiers: Orphanet 91387, MedGen C4707243, MONDO:0019625.

Submission:

Ambry Genetics
Classification: Likely pathogenic for Familial thoracic aortic aneurysm and aortic dissection. Last evaluated: 2023-05-22. Review status: criteria provided, single submitter. Criteria: Ambry Variant Classification Scheme 2023. Collection method: clinical testing. Allele origin: germline.
Comment: The p.G1477D variant (also known as c.4430G>A), located in coding exon 57 of the COL5A1 gene, results from a G to A substitution at nucleotide position 4430. The glycine at codon 1477 is replaced by aspartic acid, an amino acid with similar properties. This alteration has been reported in individuals with classical Ehlers-Danlos syndrome (EDS) (Colman M et al. Hum Mutat, 2021 Oct;42:1294-1306; Ambry internal data). Internal structural analysis indicates that this alteration disrupts the characteristic G-X-Y motif of the triple helical domain in the COL5A1 protein and inserts a bulky side chain into a sterically-constrained region (Bella J et al. Science. 1994;266:75-81; Hohenester E et al. Proc. Natl. Acad. Sci.U.S.A. 2008;105:18273-7; Ambry internal data). Glycine substitutions in the triple helical domain of COL5A1 have been reported in association with classic Ehlers-Danlos syndrome (cEDS), but the number of affected individuals is limited and several other COL5A1 glycine substitutions in the triple helical domain (e.g., p.G1078A and p.G1414A) are too common for disease in population databases (Symoens S et al. Hum. Mutat., 2012 Oct;33:1485-93; Ritelli M et al. Orphanet J Rare Dis. 2013 Apr;8:58). This variant is considered to be rare based on population cohorts in the Genome Aggregation Database (gnomAD). This amino acid position is highly conserved in available vertebrate species. In addition, this alteration is predicted to be deleterious by in silico analysis. Based on the majority of available evidence to date, this variant is likely to be pathogenic.

Literature cited by the submitters: PubMed 34265140.

NM_000093.5(COL5A1):c.4430G>A (p.Gly1477Asp)

Gene: COL5A1 (collagen type V alpha 1 chain; plus strand). Cytogenetic location: 9q34.3.
Variant type: single nucleotide variant.
Coding change: c.4430G>A on transcript NM_000093.5 (MANE Select); coding-DNA position 4430, G replaced by A.
Protein change: p.Gly1477Asp; replaces glycine 1477 with aspartic acid.
Molecular consequence: missense variant.
Genome position (GRCh38, 1-based): chr9:134,819,037, G>A. VCF-style: chr9-134819037-G-A. GRCh37 (hg19) VCF-style: chr9-137710883-G-A.
Other names: c.4430G>A, p.Gly1477Asp (NM_001278074.1); short protein forms G1477D.
Identifiers: ClinVar variation 2563240 (VCV002563240.2), dbSNP rs2132865321, ClinGen allele CA375457553.